The following is an entry in ClinVar:

NM_005228.5(EGFR):c.1723-3C>T

Gene: EGFR (epidermal growth factor receptor; plus strand). Cytogenetic location: 7p11.2.
Variant type: single nucleotide variant.
Coding change: c.1723-3C>T on transcript NM_005228.5 (MANE Select); 3 bases into the intron before coding-DNA position 1723, C replaced by T.
Molecular consequence: intron variant.
Genome position (GRCh38, 1-based): chr7:55,165,277, C>T. VCF-style: chr7-55165277-C-T. GRCh37 (hg19) VCF-style: chr7-55232970-C-T.
Other names: c.1588-3C>T (NM_001346899.2, NM_001346897.2); c.922-3C>T (NM_001346941.2); c.1723-3C>T (NM_001346898.2, NM_201284.2, NM_201282.2); c.1564-3C>T (NM_001346900.2).
Identifiers: ClinVar variation 4870252 (VCV004870252.1).

ClinVar aggregate classification (germline): Uncertain significance (1 of 4 stars; one submission).

Conditions:
Hereditary cancer-predisposing syndrome. Also called: Neoplastic Syndromes, Hereditary; Tumor predisposition; Hereditary Cancer Syndrome; Hereditary neoplastic syndrome. Identifiers: Orphanet 140162, MedGen C0027672, MeSH D009386, MONDO:0015356.

Submission:

Ambry Genetics
Classification: Uncertain significance for Hereditary cancer-predisposing syndrome. Last evaluated: 2026-04-28. Review status: criteria provided, single submitter. Criteria: Ambry Variant Classification Scheme 2023. Collection method: clinical testing. Allele origin: germline.
Comment: The c.1723-3C>T intronic variant results from a C to T substitution 3 nucleotides upstream from coding exon 15 in the EGFR gene. This nucleotide position is well conserved in available vertebrate species. In silico splice site analysis predicts that this alteration will not have any significant effect on splicing. Based on the available evidence, the clinical significance of this variant remains unclear.